The following is an entry in ClinVar:

ClinVar aggregate classification (germline): Benign/Likely benign. Review status: criteria provided, multiple submitters, no conflicts (2 of 4 stars). 9 submissions from 9 submitters: Benign (3); Likely benign (4). 2 of the submissions do not count toward it. Last evaluated 2026-09-01.

Conditions:
Chédiak-Higashi syndrome (CHS). Also called: Chediak-Higashi Syndrome. Identifiers: Orphanet 167, MedGen C0007965, MONDO:0008963, OMIM 214500.
Autoinflammatory syndrome. Identifiers: Orphanet 93665, MedGen C3890737, MONDO:0019751.

Allele frequency attached by ClinVar (database versions not stated): 1000 Genomes Project 0.00280; 1000 Genomes Project 30x 0.00344; gnomAD 0.00441 and 0.00448; ESP Exome Variant Server 0.00492; TOPMed 0.00550; ExAC 0.00633.
gnomAD v4.1: 10,447 of 1,612,438 alleles (0.65%); highest among the groups gnomAD compares: Admixed American, 1.4%; 50 homozygotes.

Submissions (9):

CeGaT Center for Human Genetics Tuebingen
Classification: Benign. Last evaluated: 2026-09-01. Review status: criteria provided, single submitter. Criteria: CeGaT Center For Human Genetics Tuebingen Variant Classification Criteria Version 2. Collection method: clinical testing. Allele origin: germline. Affected: yes. Observed: 16 variant alleles.
Comment: LYST: BP4, BS1, BS2

Labcorp Genetics (formerly Invitae), Labcorp
Classification: Benign for Chédiak-Higashi syndrome. Last evaluated: 2026-02-03. Review status: criteria provided, single submitter. Criteria: Invitae Variant Classification Sherloc (09022015). Collection method: clinical testing. Allele origin: germline.

Mayo Clinic Laboratories, Mayo Clinic
Classification: Benign. Last evaluated: 2024-01-23. Review status: criteria provided, single submitter. Criteria: ACMG Guidelines, 2015. Collection method: clinical testing. Allele origin: germline. Observed: 40 variant alleles.
Comment: BS1, BS2, BP4, BP7

GeneDx
Classification: Likely benign. Last evaluated: 2021-02-25. Review status: criteria provided, single submitter. Criteria: GeneDx Variant Classification Process June 2021. Collection method: clinical testing. Allele origin: germline. Affected: yes.

Genome Diagnostics Laboratory, The Hospital for Sick Children
Classification: Likely benign for Autoinflammatory syndrome. Last evaluated: 2021-01-28. Review status: criteria provided, single submitter. Criteria: ACMG Guidelines, 2015. Collection method: clinical testing. Allele origin: germline. Affected: yes.

Genetic Services Laboratory, University of Chicago
Classification: Likely benign. Last evaluated: 2015-12-03. Review status: criteria provided, single submitter. Criteria: ACMG Guidelines, 2015. Collection method: clinical testing. Allele origin: germline. Affected: no.

Genome Diagnostics Laboratory, University Medical Center Utrecht
Classification: Likely benign for Chédiak-Higashi syndrome. Last evaluated: 2014-10-09. Review status: criteria provided, single submitter. Criteria: ACGS Guidelines, 2013. Collection method: clinical testing. Allele origin: germline. Affected: yes. Study: VKGL Data-share Consensus.

Clinical Genetics, Academic Medical Center
Classification: Benign. Review status: no assertion criteria provided. Collection method: clinical testing. Allele origin: germline. Affected: yes. Study: VKGL Data-share Consensus. Not counted in ClinVar's aggregate classification.

Laboratory of Diagnostic Genome Analysis, Leiden University Medical Center (LUMC)
Classification: Likely benign. Review status: no assertion criteria provided. Collection method: clinical testing. Allele origin: germline. Affected: yes. Study: VKGL Data-share Consensus. Not counted in ClinVar's aggregate classification.

NM_000081.4(LYST):c.10800+4G>T

Gene: LYST (lysosomal trafficking regulator; minus strand). Cytogenetic location: 1q42.3.
Variant type: single nucleotide variant.
Coding change: c.10800+4G>T on transcript NM_000081.4 (MANE Select); 4 bases into the intron after coding-DNA position 10800, G replaced by T.
Molecular consequence: intron variant.
Genome position (GRCh38, 1-based): chr1:235,686,945, C>A on the plus strand (G>T on the coding strand, the complement: LYST is on the minus strand). VCF-style: chr1-235686945-C-A. GRCh37 (hg19) VCF-style: chr1-235850245-C-A.
Other names: p.?; c.10800+4G>T (NM_001301365.1).
Identifiers: ClinVar variation 296350 (VCV000296350.60), dbSNP rs41308172, ClinGen allele CA1465289.